The following is an entry in ClinVar:

ClinVar aggregate classification (germline): Uncertain significance. Review status: criteria provided, multiple submitters, no conflicts (2 of 4 stars). 3 submissions from 3 submitters: Uncertain significance (3). Last evaluated 2025-05-28.

Conditions:
Cardiovascular phenotype. Identifiers: MedGen CN230736.
Catecholaminergic polymorphic ventricular tachycardia 2. Also called: VENTRICULAR TACHYCARDIA, STRESS-INDUCED POLYMORPHIC 2; CASQ2-Related Catecholaminergic Polymorphic Ventricular Tachycardia. Identifiers: Orphanet 3286, MedGen C2677794, MONDO:0012762, OMIM 611938.

Allele frequency attached by ClinVar (database versions not stated): ExAC 0.00002.
gnomAD v4.1: 44 of 1,613,422 alleles (0.0027%); highest among the groups gnomAD compares: South Asian, 0.0033%; no homozygotes.

Submissions (3):

Ambry Genetics
Classification: Uncertain significance for Cardiovascular phenotype. Last evaluated: 2025-05-28. Review status: criteria provided, single submitter. Criteria: Ambry Variant Classification Scheme 2023. Collection method: clinical testing. Allele origin: germline.
Comment: The p.R121H variant (also known as c.362G>A), located in coding exon 3 of the CASQ2 gene, results from a G to A substitution at nucleotide position 362. The arginine at codon 121 is replaced by histidine, an amino acid with highly similar properties. This amino acid position is highly conserved in available vertebrate species. In addition, this alteration is predicted to be tolerated by in silico analysis. Based on the available evidence, the clinical significance of this variant remains unclear.

GeneDx
Classification: Uncertain significance. Last evaluated: 2024-05-09. Review status: criteria provided, single submitter. Criteria: GeneDx Variant Classification Process June 2021. Collection method: clinical testing. Allele origin: germline. Affected: yes.
Comment: Identified in a patient with neurally mediated syncope (NMS) (PMID: 36005429); Not observed at a significant frequency in large population cohorts (gnomAD); In silico analysis supports that this missense variant does not alter protein structure/function; This variant is associated with the following publications: (PMID: 36005429)

New York Genome Center
Classification: Uncertain significance for Catecholaminergic polymorphic ventricular tachycardia 2. Last evaluated: 2023-08-23. Review status: criteria provided, single submitter. Criteria: NYGC Assertion Criteria 2020. Collection method: clinical testing. Allele origin: germline. Observed: 1 heterozygote.

NM_001232.4(CASQ2):c.362G>A (p.Arg121His)

Gene: CASQ2 (calsequestrin 2; minus strand). Cytogenetic location: 1p13.1.
Variant type: single nucleotide variant.
Coding change: c.362G>A on transcript NM_001232.4 (MANE Select); coding-DNA position 362, G replaced by A.
Protein change: p.Arg121His; replaces arginine 121 with histidine.
Molecular consequence: missense variant.
Genome position (GRCh38, 1-based): chr1:115,740,786, C>T on the plus strand (G>A on the coding strand, the complement: CASQ2 is on the minus strand). VCF-style: chr1-115740786-C-T. GRCh37 (hg19) VCF-style: chr1-116283407-C-T.
Other names: short protein forms R121H.
Identifiers: ClinVar variation 1733392 (VCV001733392.6), dbSNP rs759805011, ClinGen allele CA1023933.